The following is an entry in ClinVar:

ClinVar aggregate classification (germline): Likely benign (0 of 4 stars; one submission).

Conditions:
ACACB-related disorder. Also called: ACACB-related condition.

Allele frequency attached by ClinVar (database versions not stated): gnomAD exomes 0.00001; ExAC 0.00002.
gnomAD v4.1: 21 of 1,602,114 alleles (0.0013%); highest among the groups gnomAD compares: Middle Eastern, 0.28%; no homozygotes.

Submission:

PreventionGenetics, part of Exact Sciences
Classification: Likely benign for ACACB-related condition. Last evaluated: 2019-07-11. Review status: no assertion criteria provided. Collection method: clinical testing. Allele origin: germline.
Comment: This variant is classified as likely benign based on ACMG/AMP sequence variant interpretation guidelines (Richards et al. 2015 PMID: 25741868, with internal and published modifications).

NM_001093.4(ACACB):c.6015C>T (p.Thr2005=)

Gene: ACACB (acetyl-CoA carboxylase beta; plus strand). Cytogenetic location: 12q24.11.
Variant type: single nucleotide variant.
Coding change: c.6015C>T on transcript NM_001093.4 (MANE Select); coding-DNA position 6015, C replaced by T.
Protein change: p.Thr2005=; no amino-acid change (threonine 2005 retained).
Molecular consequence: synonymous variant.
Genome position (GRCh38, 1-based): chr12:109,253,128, C>T. VCF-style: chr12-109253128-C-T. GRCh37 (hg19) VCF-style: chr12-109690933-C-T.
Other names: c.6015C>T, p.Thr2005= (NM_001412734.1, NM_001412735.1); c.5409C>T, p.Thr1803= (NM_001412736.1); c.5388C>T, p.Thr1796= (NM_001412737.1); c.5220C>T, p.Thr1740= (NM_001412738.1).
Identifiers: ClinVar variation 3049810 (VCV003049810.2), dbSNP rs776692923, ClinGen allele CA6774928.